The following is an entry in ClinVar:

ClinVar aggregate classification (germline): Uncertain significance. Review status: criteria provided, multiple submitters, no conflicts (2 of 4 stars). 2 submissions from 2 submitters: Uncertain significance (2). Last evaluated 2023-04-24.

Conditions:
Postaxial polydactyly-anterior pituitary anomalies-facial dysmorphism syndrome. Also called: Culler-Jones syndrome. Identifiers: Orphanet 420584, MedGen C4014479, MONDO:0014369, OMIM 615849.
Holoprosencephaly 9 (HPE9). Also called: PITUITARY ANOMALIES WITH HOLOPROSENCEPHALY-LIKE FEATURES; HOLOPROSENCEPHALY WITH MICROPHTHALMIA AND FIRST BRANCHIAL ARCH ANOMALIES. Identifiers: Orphanet 2162, MedGen C1835819, MONDO:0012563, OMIM 610829.

Submissions (2):

Labcorp Genetics (formerly Invitae), Labcorp
Classification: Uncertain significance for Postaxial polydactyly-anterior pituitary anomalies-facial dysmorphism syndrome; Holoprosencephaly 9. Last evaluated: 2023-04-24. Review status: criteria provided, single submitter. Criteria: Invitae Variant Classification Sherloc (09022015). Collection method: clinical testing. Allele origin: germline.
Comment: Advanced modeling of protein sequence and biophysical properties (such as structural, functional, and spatial information, amino acid conservation, physicochemical variation, residue mobility, and thermodynamic stability) performed at Invitae indicates that this missense variant is expected to disrupt GLI2 protein function. ClinVar contains an entry for this variant (Variation ID: 1704548). This variant has not been reported in the literature in individuals affected with GLI2-related conditions. This variant is not present in population databases (gnomAD no frequency). This sequence change replaces histidine, which is basic and polar, with glutamine, which is neutral and polar, at codon 523 of the GLI2 protein (p.His523Gln). In summary, the available evidence is currently insufficient to determine the role of this variant in disease. Therefore, it has been classified as a Variant of Uncertain Significance.

Women's Health and Genetics/Laboratory Corporation of America, LabCorp
Classification: Uncertain significance. Last evaluated: 2022-07-28. Review status: criteria provided, single submitter. Criteria: LabCorp Variant Classification Summary - May 2015. Collection method: clinical testing. Allele origin: germline.
Comment: Variant summary: GLI2 c.1569C>A (p.His523Gln) results in a non-conservative amino acid change located in the Zinc finger C2H2-type domain of the encoded protein sequence. Five of five in-silico tools predict a damaging effect of the variant on protein function. The variant was absent in 251114 control chromosomes. The available data on variant occurrences in the general population are insufficient to allow any conclusion about variant significance. To our knowledge, no occurrence of c.1569C>A in individuals affected with GLI2-Related Disorders and no experimental evidence demonstrating its impact on protein function have been reported. No clinical diagnostic laboratories have submitted clinical-significance assessments for this variant to ClinVar after 2014. Based on the evidence outlined above, the variant was classified as uncertain significance.

NM_001374353.1(GLI2):c.1518C>A (p.His506Gln)

Gene: GLI2 (GLI family zinc finger 2; plus strand). Cytogenetic location: 2q14.2.
Variant type: single nucleotide variant.
Coding change: c.1518C>A on transcript NM_001374353.1 (MANE Select); coding-DNA position 1518, C replaced by A.
Protein change: p.His506Gln; replaces histidine 506 with glutamine.
Molecular consequence: missense variant.
Genome position (GRCh38, 1-based): chr2:120,982,766, C>A. VCF-style: chr2-120982766-C-A. GRCh37 (hg19) VCF-style: chr2-121740342-C-A.
Other names: c.1569C>A, p.His523Gln (NM_001371271.1, NM_005270.5); c.1143C>A, p.His381Gln (NM_001374354.1); short protein forms H506Q, H381Q, H523Q.
Identifiers: ClinVar variation 1704548 (VCV001704548.4), dbSNP rs1682774277, ClinGen allele CA348162100.